The following is an entry in ClinVar:

NM_001393769.1(MED12L):c.2857C>T (p.Pro953Ser)

Genes: MED12L (mediator complex subunit 12L; plus strand), P2RY12 (purinergic receptor P2Y12; minus strand). Cytogenetic location: 3q25.1.
Variant type: single nucleotide variant.
Coding change: c.2857C>T on transcript NM_001393769.1 (MANE Select); coding-DNA position 2857, C replaced by T.
Protein change: p.Pro953Ser; replaces proline 953 with serine.
Molecular consequence: missense variant. On other transcripts: intron variant (1).
Genome position (GRCh38, 1-based): chr3:151,360,505, C>T. VCF-style: chr3-151360505-C-T. GRCh37 (hg19) VCF-style: chr3-151078293-C-T.
Other names: c.2752C>T, p.Pro918Ser (NM_053002.6); c.-179-19745G>A (NM_022788.5); short protein forms P918S, P953S.
Identifiers: ClinVar variation 2430446 (VCV002430446.2), dbSNP rs2473613344, ClinGen allele CA354966161.

ClinVar aggregate classification (germline): Uncertain significance (1 of 4 stars; one submission).

Submission:

GeneDx
Classification: Uncertain significance. Last evaluated: 2026-04-09. Review status: criteria provided, single submitter. Criteria: GeneDx Variant Classification Process June 2021. Collection method: clinical testing. Allele origin: germline.
Comment: Has not been previously published as pathogenic or benign to our knowledge; In silico analysis supports that this missense variant has a deleterious effect on protein structure/function; Not observed at significant frequency in large population cohorts (gnomAD)